The following is an entry in ClinVar:

ClinVar aggregate classification (germline): Uncertain significance (1 of 4 stars; one submission).

Conditions:
TNF receptor-associated periodic fever syndrome (TRAPS) (FPF). Also called: FAMILIAL HIBERNIAN FEVER; TNF RECEPTOR-ASSOCIATED PERIODIC SYNDROME; TUMOR NECROSIS FACTOR RECEPTOR-ASSOCIATED PERIODIC SYNDROME; Autosomal Dominant Familial Periodic Fever; TNF Receptor-Associated Periodic Fever Syndrome; TNF receptor 1-associated periodic fever syndrome. Identifiers: Orphanet 32960, MedGen C1275126, MONDO:0007727, OMIM 142680.

Submission:

Labcorp Genetics (formerly Invitae), Labcorp
Classification: Uncertain significance for TNF receptor-associated periodic fever syndrome (TRAPS). Last evaluated: 2024-04-22. Review status: criteria provided, single submitter. Criteria: Invitae Variant Classification Sherloc (09022015). Collection method: clinical testing. Allele origin: germline.
Comment: This sequence change replaces lysine, which is basic and polar, with arginine, which is basic and polar, at codon 187 of the TNFRSF1A protein (p.Lys187Arg). This variant is not present in population databases (gnomAD no frequency). This variant has not been reported in the literature in individuals affected with TNFRSF1A-related conditions. Advanced modeling of protein sequence and biophysical properties (such as structural, functional, and spatial information, amino acid conservation, physicochemical variation, residue mobility, and thermodynamic stability) has been performed at Invitae for this missense variant, however the output from this modeling did not meet the statistical confidence thresholds required to predict the impact of this variant on TNFRSF1A protein function. In summary, the available evidence is currently insufficient to determine the role of this variant in disease. Therefore, it has been classified as a Variant of Uncertain Significance.

NM_001065.4(TNFRSF1A):c.560A>G (p.Lys187Arg)

Gene: TNFRSF1A (TNF receptor superfamily member 1A; minus strand). Cytogenetic location: 12p13.31.
Variant type: single nucleotide variant.
Coding change: c.560A>G on transcript NM_001065.4 (MANE Select); coding-DNA position 560, A replaced by G.
Protein change: p.Lys187Arg; replaces lysine 187 with arginine.
Molecular consequence: missense variant.
Genome position (GRCh38, 1-based): chr12:6,330,918, T>C on the plus strand (A>G on the coding strand, the complement: TNFRSF1A is on the minus strand). VCF-style: chr12-6330918-T-C. GRCh37 (hg19) VCF-style: chr12-6440084-T-C.
Other names: c.236A>G, p.Lys79Arg (NM_001346091.2); c.101A>G, p.Lys34Arg (NM_001346092.2); short protein forms K187R, K79R, K34R.
Identifiers: ClinVar variation 3696475 (VCV003696475.2).